The following is an entry in ClinVar:

ClinVar aggregate classification (germline): Uncertain significance. Review status: criteria provided, multiple submitters, no conflicts (2 of 4 stars). 3 submissions from 3 submitters: Uncertain significance (3). Last evaluated 2025-11-10.

Conditions:
Autosomal dominant familial hematuria-retinal arteriolar tortuosity-contractures syndrome. Also called: Angiopathy, hereditary, with nephropathy, aneurysms, and muscle cramps; Hereditary Angiopathy with Nephropathy, Aneurysms, and Muscle Cramps (HANAC) Syndrome. Identifiers: Orphanet 73229, MedGen C2673195, MONDO:0012726, OMIM 611773.
Brain small vessel disease 1 with or without ocular anomalies (BSVD1). Also called: GOULD SYNDROME 1; Brain small vessel disease with or without ocular anomalies; BRAIN SMALL VESSEL DISEASE WITH HEMORRHAGE; PORENCEPHALY, TYPE 1, AUTOSOMAL DOMINANT. Identifiers: Orphanet 2940, Orphanet 36383, Orphanet 99810, MedGen C4755307, MONDO:0008289, OMIM 175780.
Retinal arterial tortuosity. Also called: Retinal arteries, tortuosity of; RETINAL HEMORRHAGE WITH VASCULAR TORTUOSITY. Identifiers: Orphanet 75326, MedGen C0423401, MONDO:0008373, OMIM 180000, HP:0000631.
Microangiopathy and leukoencephalopathy, pontine, autosomal dominant. Also called: Pontine autosomal dominant microangiopathy with leukoencephalopathy; DEMENTIA, HEREDITARY MULTI-INFARCT, SWEDISH TYPE. Identifiers: Orphanet 477749, MedGen C5231411, MONDO:0032814, OMIM 618564.
Hemorrhage, intracerebral, susceptibility to (ICH). Also called: Stroke, hemorrhagic, susceptibility to. Identifiers: MedGen C3281105, MONDO:0100533, OMIM 614519.

Allele frequency attached by ClinVar (database versions not stated): gnomAD exomes below 0.00001; TOPMed below 0.00001.
gnomAD v4.1: 1 of 1,614,050 alleles (0.000062%); highest among the groups gnomAD compares: Non-Finnish European, 0.000085%; no homozygotes.

Submissions (3):

Labcorp Genetics (formerly Invitae), Labcorp
Classification: Uncertain significance. Last evaluated: 2025-11-10. Review status: criteria provided, single submitter. Criteria: Invitae Variant Classification Sherloc (09022015). Collection method: clinical testing. Allele origin: germline.
Comment: This sequence change affects codon 78 of the COL4A1 mRNA. It is a 'silent' change, meaning that it does not change the encoded amino acid sequence of the COL4A1 protein. This variant also falls at the last nucleotide of exon 3, which is part of the consensus splice site for this exon. This variant is not present in population databases (gnomAD no frequency). This variant has not been reported in the literature in individuals affected with COL4A1-related conditions. ClinVar contains an entry for this variant (Variation ID: 807046). Variants that disrupt the consensus splice site are a relatively common cause of aberrant splicing (PMID: 17576681, 9536098). Algorithms developed to predict the effect of sequence changes on RNA splicing suggest that this variant is not likely to affect RNA splicing. In summary, the available evidence is currently insufficient to determine the role of this variant in disease. Therefore, it has been classified as a Variant of Uncertain Significance.

Fulgent Genetics
Classification: Uncertain significance for Brain small vessel disease 1 with or without ocular anomalies; Retinal arterial tortuosity; Autosomal dominant familial hematuria-retinal arteriolar tortuosity-contractures syndrome; Hemorrhage, intracerebral, susceptibility to; Microangiopathy and leukoencephalopathy, pontine, autosomal dominant. Last evaluated: 2024-03-11. Review status: criteria provided, single submitter. Criteria: ACMG Guidelines, 2015. Collection method: clinical testing. Allele origin: germline.

CeGaT Center for Human Genetics Tuebingen
Classification: Uncertain significance. Last evaluated: 2019-12-01. Review status: criteria provided, single submitter. Criteria: CeGaT Center For Human Genetics Tuebingen Variant Classification Criteria Version 2. Collection method: clinical testing. Allele origin: germline. Affected: yes. Observed: 6 variant alleles.

Literature cited by the submitters: PubMed 17576681 (cited by Labcorp Genetics (formerly Invitae), Labcorp); PubMed 9536098 (cited by Labcorp Genetics (formerly Invitae), Labcorp).

NM_001845.6(COL4A1):c.234G>A (p.Lys78=)

Gene: COL4A1 (collagen type IV alpha 1 chain; minus strand). Cytogenetic location: 13q34.
Variant type: single nucleotide variant.
Coding change: c.234G>A on transcript NM_001845.6 (MANE Select); coding-DNA position 234, G replaced by A.
Protein change: p.Lys78=; no amino-acid change (lysine 78 retained).
Molecular consequence: synonymous variant.
Genome position (GRCh38, 1-based): chr13:110,213,926, C>T on the plus strand (G>A on the coding strand, the complement: COL4A1 is on the minus strand). VCF-style: chr13-110213926-C-T. GRCh37 (hg19) VCF-style: chr13-110866273-C-T.
Other names: c.234G>A, p.Lys78= (NM_001303110.2).
Identifiers: ClinVar variation 807046 (VCV000807046.44), dbSNP rs905794416, ClinGen allele CA256246027.